The following is an entry in ClinVar:

NM_000051.4(ATM):c.7997C>T (p.Thr2666Ile)

Genes: ATM (ATM serine/threonine kinase; plus strand), C11orf65 (chromosome 11 open reading frame 65; minus strand). Cytogenetic location: 11q22.3.
Variant type: single nucleotide variant.
Coding change: c.7997C>T on transcript NM_000051.4 (MANE Select); coding-DNA position 7997, C replaced by T.
Protein change: p.Thr2666Ile; replaces threonine 2666 with isoleucine.
Molecular consequence: missense variant. On other transcripts: intron variant (2).
Genome position (GRCh38, 1-based): chr11:108,333,955, C>T. VCF-style: chr11-108333955-C-T. GRCh37 (hg19) VCF-style: chr11-108204682-C-T.
Other names: c.7997C>T, p.Thr2666Ile (NM_001351834.2); c.641-24884G>A (NM_001330368.2); c.*38+1265G>A (NM_001351110.2); short protein forms T2666I.
Identifiers: ClinVar variation 1472922 (VCV001472922.7), dbSNP rs730881384, ClinGen allele CA382561791.

ClinVar aggregate classification (germline): Likely pathogenic (1 of 4 stars; one submission).

Conditions:
Ataxia-telangiectasia syndrome (AT). Also called: LOUIS-BAR SYNDROME; Cerebello-oculocutaneous telangiectasia; Immunodeficiency with ataxia telangiectasia; Ataxia telangiectasia (A-T); Ataxia-telangiectasia, complementation group D; AT, COMPLEMENTATION GROUP C. Identifiers: Orphanet 100, MedGen C0004135, MONDO:0008840, OMIM 208900.

Submission:

Labcorp Genetics (formerly Invitae), Labcorp
Classification: Likely pathogenic for Ataxia-telangiectasia syndrome. Last evaluated: 2021-11-01. Review status: criteria provided, single submitter. Criteria: Invitae Variant Classification Sherloc (09022015). Collection method: clinical testing. Allele origin: germline.
Comment: In summary, the currently available evidence indicates that the variant is pathogenic, but additional data are needed to prove that conclusively. Therefore, this variant has been classified as Likely Pathogenic. This variant disrupts the p.Thr2666 amino acid residue in ATM. Other variant(s) that disrupt this residue have been determined to be pathogenic (PMID: 26633542; Invitae; external communication). This suggests that this residue is clinically significant, and that variants that disrupt this residue are likely to be disease-causing. This sequence change replaces threonine, which is neutral and polar, with isoleucine, which is neutral and non-polar, at codon 2666 of the ATM protein (p.Thr2666Ile). This variant is not present in population databases (gnomAD no frequency). This variant has not been reported in the literature in individuals affected with ATM-related conditions. Advanced modeling of protein sequence and biophysical properties (such as structural, functional, and spatial information, amino acid conservation, physicochemical variation, residue mobility, and thermodynamic stability) performed at Invitae indicates that this missense variant is expected to disrupt ATM protein function.

Literature cited by the submitters: PubMed 26633542.